The following is an entry in ClinVar:

ClinVar aggregate classification (germline): Uncertain significance (1 of 4 stars; one submission).

Conditions:
Spastic paraplegia. Identifiers: MedGen C0037772, HP:0001258.

Submission:

Labcorp Genetics (formerly Invitae), Labcorp
Classification: Uncertain significance for Spastic paraplegia. Last evaluated: 2022-04-11. Review status: criteria provided, single submitter. Criteria: Invitae Variant Classification Sherloc (09022015). Collection method: clinical testing. Allele origin: germline.
Comment: This variant is not present in population databases (gnomAD no frequency). In summary, the available evidence is currently insufficient to determine the role of this variant in disease. Therefore, it has been classified as a Variant of Uncertain Significance. Advanced modeling of protein sequence and biophysical properties (such as structural, functional, and spatial information, amino acid conservation, physicochemical variation, residue mobility, and thermodynamic stability) performed at Invitae indicates that this missense variant is not expected to disrupt KIF5A protein function. This variant has not been reported in the literature in individuals affected with KIF5A-related conditions. This sequence change replaces asparagine, which is neutral and polar, with aspartic acid, which is acidic and polar, at codon 934 of the KIF5A protein (p.Asn934Asp).

NM_004984.4(KIF5A):c.2800A>G (p.Asn934Asp)

Gene: KIF5A (kinesin family member 5A; plus strand). Cytogenetic location: 12q13.3.
Variant type: single nucleotide variant.
Coding change: c.2800A>G on transcript NM_004984.4 (MANE Select); coding-DNA position 2800, A replaced by G.
Protein change: p.Asn934Asp; replaces asparagine 934 with aspartic acid.
Molecular consequence: missense variant.
Genome position (GRCh38, 1-based): chr12:57,581,459, A>G. VCF-style: chr12-57581459-A-G. GRCh37 (hg19) VCF-style: chr12-57975242-A-G.
Other names: c.2533A>G, p.Asn845Asp (NM_001354705.2); short protein forms N845D, N934D.
Identifiers: ClinVar variation 2124629 (VCV002124629.4), dbSNP rs2540515488, ClinGen allele CA385515708.
Genomic context (GRCh38, chr12:57,581,459, plus strand): 5'-TCTTTCTTTATTGCAGCCAAACCCGTCCGGCCTGGCCACTACCCAGCATCCTCACCCACC[A>G]ACCCCTATGGCACCCGGAGCCCTGAGTGCATCAGTTACACCAACAGCCTCTTCCAGAACT-3'
Protein context (NP_004975.2, residues 924-944): PGHYPASSPT[Asn934Asp]PYGTRSPECI